The following is an entry in ClinVar:

NM_024824.5(ZC3H14):c.*13358_*13359del

Genes: EML5 (EMAP like 5; minus strand), ZC3H14 (zinc finger CCCH-type containing 14; plus strand). Cytogenetic location: 14q31.3.
Variant type: Deletion.
Coding change: c.*13358_*13359del on transcript NM_024824.5 (MANE Select); 13358 bases downstream of the stop codon through 13359 bases downstream of the stop codon, 2 bases deleted (CT; older notation c.*13358_*13359delCT).
Molecular consequence: 3 prime UTR variant. On other transcripts: non-coding transcript variant (1), frameshift variant (3).
Genome position (GRCh38, 1-based): chr14:88,625,109-88,625,110, CT deleted. VCF-style (leftmost placement, unchanged base first): chr14-88625108-CCT-C. GRCh37 (hg19) VCF-style: chr14-89091452-CCT-C.
Other names: c.4749_4750del, p.Gly1584fs (NM_001385116.1); c.4734_4735del, p.Gly1579fs (NM_001411033.1); c.4758_4759del, p.Gly1587fs (NM_183387.3); c.*13358_*13359del (NM_001160103.2, NM_001160104.2, NM_001326295.2 and 24 more transcripts); short protein forms G1579fs, G1584fs, G1587fs.
Identifiers: ClinVar variation 4883981 (VCV004883981.2).

ClinVar aggregate classification (germline): Uncertain significance (1 of 4 stars; one submission).

Conditions:
Intellectual developmental disorder, autosomal recessive 56. Also called: Intellectual disability, autosomal recessive 56. Identifiers: MedGen C4310703, MONDO:0014930, OMIM 617125.

Submission:

Dasa
Classification: Uncertain significance for Intellectual developmental disorder, autosomal recessive 56. Last evaluated: 2026-04-26. Review status: criteria provided, single submitter. Criteria: DASA Assertion Criteria. Collection method: clinical testing. Allele origin: germline.
Comment: NM_024824.5(ZC3H14):c.*13358_*13359del is a sequence variant. This variant is rare in population databases. Computational prediction algorithms are consistent with a deleterious effect. The currently available literature and clinical evidence are not sufficient to establish a definitive association between this variant and the reported condition. Therefore, this variant is classified as a variant of uncertain significance.